The following is an entry in ClinVar:

ClinVar aggregate classification (germline): Uncertain significance. Review status: criteria provided, multiple submitters, no conflicts (2 of 4 stars). 3 submissions from 3 submitters: Uncertain significance (3). Last evaluated 2025-09-02.

Conditions:
Inborn genetic diseases. Identifiers: MedGen C0950123, MeSH D030342.

Allele frequency attached by ClinVar (database versions not stated): gnomAD exomes 0.00003 and 0.00004; ExAC 0.00006; ESP Exome Variant Server 0.00008; TOPMed 0.00009; gnomAD 0.00015 and 0.00016.
gnomAD v4.1: 66 of 1,614,070 alleles (0.0041%); highest among the groups gnomAD compares: African/African-American, 0.036%; no homozygotes.

Submissions (3):

Labcorp Genetics (formerly Invitae), Labcorp
Classification: Uncertain significance. Last evaluated: 2025-09-02. Review status: criteria provided, single submitter. Criteria: Invitae Variant Classification Sherloc (09022015). Collection method: clinical testing. Allele origin: germline.
Comment: This sequence change replaces isoleucine, which is neutral and non-polar, with valine, which is neutral and non-polar, at codon 104 of the POLR3A protein (p.Ile104Val). This variant is present in population databases (rs370741493, gnomAD 0.02%). This variant has not been reported in the literature in individuals affected with POLR3A-related conditions. ClinVar contains an entry for this variant (Variation ID: 1352466). Invitae Evidence Modeling of protein sequence and biophysical properties (such as structural, functional, and spatial information, amino acid conservation, physicochemical variation, residue mobility, and thermodynamic stability) indicates that this missense variant is not expected to disrupt POLR3A protein function with a negative predictive value of 80%. In summary, the available evidence is currently insufficient to determine the role of this variant in disease. Therefore, it has been classified as a Variant of Uncertain Significance.

Ambry Genetics
Classification: Uncertain significance for Inborn genetic diseases. Last evaluated: 2025-08-28. Review status: criteria provided, single submitter. Criteria: Ambry Variant Classification Scheme 2023. Collection method: clinical testing. Allele origin: germline.

GeneDx
Classification: Uncertain significance. Last evaluated: 2024-08-06. Review status: criteria provided, single submitter. Criteria: GeneDx Variant Classification Process June 2021. Collection method: clinical testing. Allele origin: germline. Affected: yes.
Comment: In silico analysis indicates that this missense variant does not alter protein structure/function; Has not been previously published as pathogenic or benign to our knowledge

NM_007055.4(POLR3A):c.310A>G (p.Ile104Val)

Genes: POLR3A (RNA polymerase III subunit A; minus strand), LOC126860971 (CDK7 strongly-dependent group 2 enhancer GRCh37_chr10:79784551-79785750; plus strand). Cytogenetic location: 10q22.3.
Variant type: single nucleotide variant.
Coding change: c.310A>G on transcript NM_007055.4 (MANE Select); coding-DNA position 310, A replaced by G.
Protein change: p.Ile104Val; replaces isoleucine 104 with valine.
Molecular consequence: missense variant.
Genome position (GRCh38, 1-based): chr10:78,025,630, T>C on the plus strand (A>G on the coding strand, the complement: POLR3A is on the minus strand). VCF-style: chr10-78025630-T-C. GRCh37 (hg19) VCF-style: chr10-79785388-T-C.
Other names: c.310A>G (NM_007055.3); short protein forms I104V.
Identifiers: ClinVar variation 1352466 (VCV001352466.12), dbSNP rs370741493, ClinGen allele CA5571741.